The following is an entry in ClinVar:

NM_000393.5(COL5A2):c.4369G>A (p.Val1457Met)

Gene: COL5A2 (collagen type V alpha 2 chain; minus strand). Cytogenetic location: 2q32.2.
Variant type: single nucleotide variant.
Coding change: c.4369G>A on transcript NM_000393.5 (MANE Select); coding-DNA position 4369, G replaced by A.
Protein change: p.Val1457Met; replaces valine 1457 with methionine.
Molecular consequence: missense variant.
Genome position (GRCh38, 1-based): chr2:189,034,201, C>T on the plus strand (G>A on the coding strand, the complement: COL5A2 is on the minus strand). VCF-style: chr2-189034201-C-T. GRCh37 (hg19) VCF-style: chr2-189898927-C-T.
Other names: short protein forms V1457M.
Identifiers: ClinVar variation 1059133 (VCV001059133.52), dbSNP rs745935107, ClinGen allele CA2021789.

ClinVar aggregate classification (germline): Conflicting classifications of pathogenicity. Review status: criteria provided, conflicting classifications (1 of 4 stars). 3 submissions from 3 submitters: Uncertain significance (1); Likely benign (2). Last evaluated 2025-09-14.

Conditions:
Ehlers-Danlos syndrome, classic type, 1 (EDSCL1). Also called: EHLERS-DANLOS SYNDROME, GRAVIS TYPE; EHLERS-DANLOS SYNDROME, SEVERE CLASSIC TYPE; EDS I; Ehlers-Danlos Syndrome, Classic Type, COL5A1-Related; Ehlers-Danlos syndrome, type 1. Identifiers: MedGen C0268335, MONDO:0019567, OMIM 130000.

Allele frequency attached by ClinVar (database versions not stated): TOPMed 0.00002; ExAC 0.00002; gnomAD 0.00001; gnomAD exomes 0.00002.
gnomAD v4.1: 37 of 1,613,840 alleles (0.0023%); highest among the groups gnomAD compares: Non-Finnish European, 0.0031%; no homozygotes.

Submissions (3):

Labcorp Genetics (formerly Invitae), Labcorp
Classification: Likely benign for Ehlers-Danlos syndrome, classic type, 1. Last evaluated: 2025-09-14. Review status: criteria provided, single submitter. Criteria: Invitae Variant Classification Sherloc (09022015). Collection method: clinical testing. Allele origin: germline.

Women's Health and Genetics/Laboratory Corporation of America, LabCorp
Classification: Likely benign. Last evaluated: 2025-04-28. Review status: criteria provided, single submitter. Criteria: LabCorp Variant Classification Summary - May 2015. Collection method: clinical testing. Allele origin: germline.
Comment: Variant summary: COL5A2 c.4369G>A (p.Val1457Met) results in a conservative amino acid change in the encoded protein sequence. Three of five in-silico tools predict a benign effect of the variant on protein function. The variant allele was found at a frequency of 2.3e-05 in 1613840 control chromosomes, predominantly at a frequency of 3.1e-05 within the Non-Finnish European subpopulation in the gnomAD database (v4.1). To our knowledge, no occurrence of c.4369G>A in individuals affected with Ehlers-Danlos syndrome, classic type, 2 and no experimental evidence demonstrating its impact on protein function have been reported. ClinVar contains an entry for this variant (Variation ID: 1059133). Based on the evidence outlined above, the variant was classified as likely benign.

GeneDx
Classification: Uncertain significance. Last evaluated: 2023-02-03. Review status: criteria provided, single submitter. Criteria: GeneDx Variant Classification Process June 2021. Collection method: clinical testing. Allele origin: germline. Affected: yes.
Comment: Has not been previously published as pathogenic or benign to our knowledge; Not observed at significant frequency in large population cohorts (gnomAD); Not located in the triple helical region, where the majority of pathogenic missense variants occur (Symoens et al., 2012; HGMD); In silico analysis, which includes protein predictors and evolutionary conservation, supports that this variant does not alter protein structure/function